The following continues an entry in ClinVar:

NM_003002.4(SDHD):c.479G>T (p.Ter160Leu)

Gene: SDHD. ClinVar aggregate classification (germline): Conflicting classifications of pathogenicity. Likely pathogenic (4); Uncertain significance (6).

Submissions 8 to 12 of 12:

All of Us Research Program, National Institutes of Health
Classification: Uncertain significance for Hereditary pheochromocytoma and paraganglioma. Last evaluated: 2024-02-05. Review status: criteria provided, single submitter. Criteria: ACMG Guidelines, 2015. Collection method: clinical testing. Allele origin: germline. Inheritance: Autosomal dominant inheritance. Observed: 6 variant alleles, 6 heterozygotes.
Comment: This variant is a termination codon variant that changes the translational stop signal of the SDHD gene to leucine and extends the length of the SDHD protein by 3 additional amino acids. A functional complementation experiment using patient fibroblasts harboring the SDHD c.205G>A p.(Glu69Lys) and SDHD c.479G>T p.*160Leuext*3 variants demonstrated that transduction with either mutant transcript was unable to rescue the reduced expression and activity of the succinate dehydrogenase complex, whereas transduction of the patient fibroblasts with the wild type SDHD cDNA transcript restored SDH activity. Mitochondrial complex II activity and levels were also significantly reduced in patient cells (PMID: 24367056). This variant has been reported in trans with another SDHD variant (c.205G>A, p.Glu69Lys) in a single individual with autosomal recessive encephalomyopathy and isolated mitochondrial complex II deficiency (PMID: 24367056). The parents were heterozygous for one of the variants each and have been referred for tumor surveillance. Screening with 24 h measurements of blood pressure and urinary catecholamines of both parents was normal. The SDHD / c.479G>T / p.160Leuext3 variant has been observed in two individuals with paraganglioma at NIH (ClinVar, SCV000599548.1, personal communication). A similar stop loss variant in the SDHD gene, (c.479_480insGT, p.*160Trpext*8) has been identified in a patient with bilateral carotid paragangliomas (PMID: 31508186). The SDHD c.479G>T p.*160Leuext*3 variant has been identified in 1/247668 chromosomes in the general population by the Genome Aggregation Database (gnomAD). While the evidence may support a causal role in autosomal recessive mitochondrial complex II deficiency, the clinical significance with respect to autosomal dominant paraganglioma-pheochromocytoma syndrome is uncertain. Therefore, this variant is classified as a Variant of Uncertain Significance.

This study involves interpretation of variants in research participants for the purpose of population health screening. Participant phenotype was not available at the time of variant classification. Additional details can be found in publication PMID: 35346344, PMCID: PMC8962531

Women's Health and Genetics/Laboratory Corporation of America, LabCorp
Classification: Uncertain significance. Last evaluated: 2018-12-04. Review status: criteria provided, single submitter. Criteria: LabCorp Variant Classification Summary - May 2015. Collection method: clinical testing. Allele origin: germline.
Comment: Variant summary: SDHD c.479G>T (p.X160LeuextX3) changes the termination codon and is predicted to lead to an extended protein with additional 3 amino acids added to the normal C-terminus. The variant allele was found at a frequency of 4.1e-06 in 242834 control chromosomes. The available data on variant occurrences in the general population are insufficient to allow any conclusion about variant significance. c.479G>T has been reported in the literature in one individual affected with mitochondrial complex II deficiency in compound heterozygous state (Jackson_2014). This report does not provide unequivocal conclusions about association of the variant with Hereditary Paraganglioma-Pheochromocytoma Syndrome. One publication reports experimental evidence evaluating an impact on protein function, however, does not allow convincing conclusions about causality of the variant (Jackson_2014). Two clinical diagnostic laboratories have submitted clinical-significance assessments for this variant to ClinVar after 2014 without evidence for independent evaluation. Both laboratories classified the variant as uncertain significance. Based on the evidence outlined above, the variant was classified as uncertain significance.

Laboratory for Molecular Medicine, Mass General Brigham Personalized Medicine
Classification: Uncertain significance. Last evaluated: 2016-10-20. Review status: criteria provided, single submitter. Criteria: LMM Criteria. Collection method: clinical testing. Allele origin: germline.
Comment: Variant identified in a genome or exome case(s) and assessed due to predicted null impact of the variant or pathogenic assertions in the literature or databases. Disclaimer: This variant has not undergone full assessment. The following are preliminary notes: Extension variant reported in 1 proband with autosomal recessive encephalomyopathy and MT complex II deficiency - proband carried E69K on other allele. Complementation of a patient cell line supported the pathogenicity of the SDHD variants.

OMIM
Classification: Pathogenic for MITOCHONDRIAL COMPLEX II DEFICIENCY, NUCLEAR TYPE 3. Last evaluated: 2014-03-01. Review status: no assertion criteria provided. Collection method: literature only. Allele origin: germline. Not counted in ClinVar's aggregate classification.

Section on Medical Neuroendocrinolgy, National Institutes of Health
Classification: Uncertain significance for Hereditary pheochromocytoma and paraganglioma. Review status: no assertion criteria provided. Collection method: research. Allele origin: germline. Affected: yes. Not counted in ClinVar's aggregate classification.

Literature cited by the submitters: PubMed 24367056 (cited by 7 submitters); PubMed 31508186 (cited by Color Diagnostics, LLC DBA Color Health and All of Us Research Program, National Institutes of Health).